The following is an entry in ClinVar:

NM_207122.2(EXT2):c.448del (p.Ala150fs)

Gene: EXT2 (exostosin glycosyltransferase 2; plus strand). Cytogenetic location: 11p11.2.
Variant type: Deletion.
Coding change: c.448del on transcript NM_207122.2 (MANE Select); coding-DNA position 448, one base deleted (G; older notation c.448delG).
Protein change: p.Ala150fs; shifts the reading frame from alanine 150.
Molecular consequence: frameshift variant.
Genome position (GRCh38, 1-based): chr11:44,108,160, G deleted; the last of 3 consecutive G bases (chr11:44,108,158-44,108,160); deleting any one gives the same sequence. VCF-style (leftmost placement, unchanged base first): chr11-44108157-CG-C. GRCh37 (hg19) VCF-style: chr11-44129707-CG-C.
Other names: c.547del, p.Ala183fs (NM_000401.3); c.448del, p.Ala150fs (NM_001178083.3, NM_001389628.1, NM_001389630.1); short protein forms A150fs, A183fs.
Identifiers: ClinVar variation 4280644 (VCV004280644.1).
Genomic context (GRCh38, chr11:44,108,157, plus strand): 5'-GAGTATAATGAACTGCTCATGGCCATCTCAGACAGTGACTACTACACTGATGACATCAAC[CG>C]GGCCTGTCTGTTTGTTCCCTCCATCGATGTGCTTAACCAGAACACACTGCGCATCAAGGA-3'

ClinVar aggregate classification (germline): Pathogenic (1 of 4 stars; one submission).

Conditions:
Exostoses, multiple, type 2 (EXT2). Also called: EXOSTOSES, MULTIPLE, TYPE II; Hereditary Multiple Osteochondromatosis, Type II. Identifiers: Orphanet 321, MedGen C1851413, MONDO:0007586, OMIM 133701.

Submission:

Clinical Biomedical Laboratory, Shriners Hospital For Children - Canada
Classification: Pathogenic for Exostoses, multiple, type 2. Last evaluated: 2025-10-05. Review status: criteria provided, single submitter. Criteria: ACMG Guidelines, 2015. Collection method: clinical testing. Allele origin: germline. Affected: yes.
Comment: This variant is predicted to substitute an alanine residue by a proline residue in exon 2 and introduce a stop codon 120 amino acids downstream. This is expected to lead to degradation of the affected transcript and loss of function of the affected allele. This variant is absent from the Genome Aggregation Database (v2.1.1).

Literature cited by the submitters: PubMed 30806661.